The following is an entry in ClinVar:

NC_012920.1(MT-TN):m.5702A>G

Gene: MT-TN (mitochondrially encoded tRNA asparagine; minus strand).
Variant type: single nucleotide variant.
Genome position: chrM-5702-A-G.
Identifiers: ClinVar variation 812543 (VCV000812543.5), dbSNP rs1603220093, ClinGen allele CA913180290.

ClinVar aggregate classification (germline): Uncertain significance. Review status: reviewed by expert panel (3 of 4 stars). 2 submissions from 2 submitters: Uncertain significance (1). 1 of the submissions does not count toward it. Last evaluated 2024-09-24.

Conditions:
Mitochondrial disease. Also called: Mitochondrial disorder; Mitochondrial disorders. Identifiers: Orphanet 68380, MedGen C0751651, MeSH D028361, MONDO:0044970.
Ptosis. Also called: Ptosis (disease). Identifiers: MedGen C0005745, MONDO:0000728, HP:0000508.
External ophthalmoplegia (CPEO). Identifiers: MedGen C0162292, HP:0000544.

Submissions (2):

ClinGen Mitochondrial Disease Nuclear and Mitochondrial  Variant Curation Expert Panel, ClinGen
Classification: Uncertain significance for Mitochondrial disease. Last evaluated: 2024-09-24. Review status: reviewed by expert panel. Criteria: clingen mito disease acmg specifications v1-1. Collection method: curation. Allele origin: germline. Inheritance: Mitochondrial inheritance.
Comment: The m.5702A>G variant in MT-TN has been reported in one individual with primary mitochondrial disease to date (PMID: 32161153; this appears to be the same individual reported in an abstract, (16)30622-8/abstract, and included in the ClinVar submission for this variant). The variant is present in the proband at 60% heteroplasmy muscle, 10% in urine, and absent in blood and skin fibroblasts. There are no additional individuals or families reported with de novo occurrences of this variant or with this variant segregating with clinical manifestations to our knowledge. This variant is absent in the GenBank dataset, Helix dataset, and gnomAD v3.1.2 (PM2_supporting). Computational predictors are conflicting (MitoTIP: 73.9%; HmtVAR: 0.05). There are no cybrids, single fiber studies, or other functional assays reported on this variant. In summary, this variant meets criteria to be classified as uncertain significance for primary mitochondrial disease inherited in a mitochondrial manner. This classification was approved by the NICHD/NINDS U24 ClinGen Mitochondrial Disease Variant Curation Expert Panel on September 24, 2024. Mitochondrial DNA-specific ACMG/AMP criteria applied (PMID: 32906214): PM6_supporting, PM2_supporting.

Mitochondrial Disorders Lab i+12, Hospital Universitario 12 de Octubre
Classification: Likely pathogenic for External ophthalmoplegia; Ptosis. Last evaluated: 2020-01-24. Review status: no assertion criteria provided. Collection method: clinical testing. Allele origin: de novo, not applicable. Inheritance: Sporadic. Affected: yes. Functional consequence: probably has functional consequence. Not counted in ClinVar's aggregate classification.
Comment: The m.5702A>G variant in the MT-TN gene (mtDNA, tRNA-Asn) is a novel variant. The variant was absent in the polymorphisms and pathogenic mutations databases of MITOMAP. Evidences supporting the pathogenicity of the variant are: i) skeletal muscle heteroplasmy (65%), ii) the nucleotide change involves the 28U:42A pair in the "anticodon stem" of the mitochondrial tRNA-Asn structure, predicting a Watson-Crick C:A mismatch.